The following is an entry in ClinVar:

NM_004006.3(DMD):c.5381T>G (p.Leu1794Arg)

Gene: DMD (dystrophin; minus strand). Cytogenetic location: Xp21.1.
Variant type: single nucleotide variant.
Coding change: c.5381T>G on transcript NM_004006.3 (MANE Select); coding-DNA position 5381, T replaced by G.
Protein change: p.Leu1794Arg; replaces leucine 1794 with arginine.
Molecular consequence: missense variant.
Genome position (GRCh38, 1-based): chrX:32,348,473, A>C on the plus strand (T>G on the coding strand, the complement: DMD is on the minus strand). VCF-style: chrX-32348473-A-C. GRCh37 (hg19) VCF-style: chrX-32366590-A-C.
Other names: c.5357T>G, p.Leu1786Arg (NM_000109.4); c.5369T>G, p.Leu1790Arg (NM_004009.3); c.5012T>G, p.Leu1671Arg (NM_004010.3); c.1358T>G, p.Leu453Arg (NM_004011.4); c.1349T>G, p.Leu450Arg (NM_004012.4); short protein forms L1794R, L453R, L1790R, L1786R, L450R, L1671R.
Identifiers: ClinVar variation 2733567 (VCV002733567.3), dbSNP rs2522059885, ClinGen allele CA412667901.

ClinVar aggregate classification (germline): Uncertain significance (1 of 4 stars; one submission).

Conditions:
Duchenne muscular dystrophy (DMD). Also called: MUSCULAR DYSTROPHY, PSEUDOHYPERTROPHIC PROGRESSIVE, DUCHENNE TYPE; Duchenne Muscular Dystrophy (DMD). Identifiers: Orphanet 98896, MedGen C0013264, MONDO:0010679, OMIM 310200.

Submission:

Labcorp Genetics (formerly Invitae), Labcorp
Classification: Uncertain significance for Duchenne muscular dystrophy. Last evaluated: 2023-06-30. Review status: criteria provided, single submitter. Criteria: Invitae Variant Classification Sherloc (09022015). Collection method: clinical testing. Allele origin: germline.
Comment: In summary, the available evidence is currently insufficient to determine the role of this variant in disease. Therefore, it has been classified as a Variant of Uncertain Significance. Advanced modeling of protein sequence and biophysical properties (such as structural, functional, and spatial information, amino acid conservation, physicochemical variation, residue mobility, and thermodynamic stability) performed at Invitae indicates that this missense variant is not expected to disrupt DMD protein function. This variant has not been reported in the literature in individuals affected with DMD-related conditions. This variant is not present in population databases (gnomAD no frequency). This sequence change replaces leucine, which is neutral and non-polar, with arginine, which is basic and polar, at codon 1794 of the DMD protein (p.Leu1794Arg).